The following is an entry in ClinVar:

NM_000021.4(PSEN1):c.1175T>C (p.Leu392Pro)

Gene: PSEN1 (presenilin 1; plus strand). Cytogenetic location: 14q24.2.
Variant type: single nucleotide variant.
Coding change: c.1175T>C on transcript NM_000021.4 (MANE Select); coding-DNA position 1175, T replaced by C.
Protein change: p.Leu392Pro; replaces leucine 392 with proline.
Molecular consequence: missense variant.
Genome position (GRCh38, 1-based): chr14:73,217,171, T>C. VCF-style: chr14-73217171-T-C. GRCh37 (hg19) VCF-style: chr14-73683879-T-C.
Other names: c.1163T>C, p.Leu388Pro (NM_007318.3); short protein forms L392P, L388P.
Identifiers: ClinVar variation 21026 (VCV000021026.8), dbSNP rs63750218, ClinGen allele CA225168.

ClinVar aggregate classification (germline): Pathogenic. Review status: criteria provided, single submitter (1 of 4 stars). 3 submissions from 3 submitters: Pathogenic (1). 2 of the submissions do not count toward it. Last evaluated 2022-04-12.

Conditions:
Frontotemporal dementia (FTD1). Also called: WILHELMSEN-LYNCH DISEASE; Frontotemporal lobe dementia (FLDEM); Dementia, frontotemporal, with or without parkinsonism; Frontotemporal Dementia with Parkinsonism-17 (FTDP-17); FRONTOTEMPORAL DEMENTIA WITH PARKINSONISM; FRONTOTEMPORAL LOBE DEMENTIA. Identifiers: Orphanet 282, MedGen C0338451, MONDO:0017276, OMIM 600274, HP:0002145.
Alzheimer disease 3 (AD3). Also called: ALZHEIMER DISEASE, FAMILIAL, 3. Identifiers: Orphanet 1020, MedGen C1843013, MONDO:0011913, OMIM 607822.
Acne inversa, familial, 3 (ACNINV3). Identifiers: MedGen C3151038, MONDO:0013398, OMIM 613737.
Pick disease. Also called: Pick Disease of the Brain; Pick's disease; LOBAR ATROPHY OF BRAIN; PICK DISEASE OF BRAIN; DEMENTIA WITH LOBAR ATROPHY AND NEURONAL CYTOPLASMIC INCLUSIONS. Identifiers: Orphanet 282, MedGen C0236642, MONDO:0008243, OMIM 172700.

Submissions (3):

Labcorp Genetics (formerly Invitae), Labcorp
Classification: Pathogenic for Alzheimer disease 3; Pick disease; Acne inversa, familial, 3; Frontotemporal dementia. Last evaluated: 2022-04-12. Review status: criteria provided, single submitter. Criteria: Invitae Variant Classification Sherloc (09022015). Collection method: clinical testing. Allele origin: germline.
Comment: For these reasons, this variant has been classified as Pathogenic. This variant disrupts the p.Leu392 amino acid residue in PSEN1. Other variant(s) that disrupt this residue have been observed in individuals with PSEN1-related conditions (PMID: 16033913), which suggests that this may be a clinically significant amino acid residue. Experimental studies have shown that this missense change affects PSEN1 function (PMID: 24918054). Advanced modeling of protein sequence and biophysical properties (such as structural, functional, and spatial information, amino acid conservation, physicochemical variation, residue mobility, and thermodynamic stability) performed at Invitae indicates that this missense variant is expected to disrupt PSEN1 protein function. ClinVar contains an entry for this variant (Variation ID: 21026). This missense change has been observed in individuals with early-onset Alzheimer disease (PMID: 11094128; Invitae). It has also been observed to segregate with disease in related individuals. This variant is not present in population databases (gnomAD no frequency). This sequence change replaces leucine, which is neutral and non-polar, with proline, which is neutral and non-polar, at codon 392 of the PSEN1 protein (p.Leu392Pro).

GeneReviews
No classification provided. Condition: Alzheimer disease 3. Review status: no classification provided. Collection method: literature only. Allele origin: unknown. Not counted in ClinVar's aggregate classification.

VIB  Department of Molecular Genetics, University of Antwerp
No classification provided. Review status: no classification provided. Collection method: not provided. Allele origin: unknown. Not counted in ClinVar's aggregate classification.

Literature cited by the submitters: PubMed 16033913 (cited by Labcorp Genetics (formerly Invitae), Labcorp); PubMed 24918054 (cited by Labcorp Genetics (formerly Invitae), Labcorp); PubMed 11094128 (cited by Labcorp Genetics (formerly Invitae), Labcorp and GeneReviews); PubMed 20301414 (cited by GeneReviews); NCBI Bookshelf NBK1236 (cited by GeneReviews).